The following is an entry in ClinVar:

ClinVar aggregate classification (germline): Benign/Likely benign. Review status: criteria provided, multiple submitters, no conflicts (2 of 4 stars). 9 submissions from 9 submitters: Benign (5); Likely benign (2). 2 of the submissions do not count toward it. Last evaluated 2026-02-03.

Conditions:
Aortic aneurysm, familial thoracic 4 (AAT4). Also called: AORTIC ANEURYSM/AORTIC DISSECTION AND PATENT DUCTUS ARTERIOSUS. Identifiers: MedGen C1851504, MONDO:0007568, OMIM 132900.
Visceral myopathy 2. Identifiers: MedGen C5543466, MONDO:0859157, OMIM 619350.
Megacystis-microcolon-intestinal hypoperistalsis syndrome 2. Identifiers: MedGen C5543476, MONDO:0025708, OMIM 619351.

Allele frequency attached by ClinVar (database versions not stated): ESP Exome Variant Server 0.00008; gnomAD 0.00034 and 0.00062; gnomAD exomes 0.00084 and 0.00106; TOPMed 0.00084; ExAC 0.00125; 1000 Genomes Project 30x 0.00375; 1000 Genomes Project 0.00439.
gnomAD v4.1: 1,370 of 1,613,684 alleles (0.085%); highest among the groups gnomAD compares: East Asian, 2.5%; 16 homozygotes.

Submissions (9):

Labcorp Genetics (formerly Invitae), Labcorp
Classification: Benign for Aortic aneurysm, familial thoracic 4. Last evaluated: 2026-02-03. Review status: criteria provided, single submitter. Criteria: Invitae Variant Classification Sherloc (09022015). Collection method: clinical testing. Allele origin: germline.

Blueprint Genetics
Classification: Likely benign. Last evaluated: 2024-11-20. Review status: criteria provided, single submitter. Criteria: ACMG Guidelines, 2015. Collection method: clinical testing. Allele origin: germline.

ARUP Laboratories, Molecular Genetics and Genomics, ARUP Laboratories
Classification: Benign. Last evaluated: 2023-10-23. Review status: criteria provided, single submitter. Criteria: ARUP Molecular Germline Variant Investigation Process 2024. Collection method: clinical testing. Allele origin: germline.

Women's Health and Genetics/Laboratory Corporation of America, LabCorp
Classification: Benign. Last evaluated: 2023-05-22. Review status: criteria provided, single submitter. Criteria: LabCorp Variant Classification Summary - May 2015. Collection method: clinical testing. Allele origin: germline.

Fulgent Genetics
Classification: Likely benign for Aortic aneurysm, familial thoracic 4; Visceral myopathy 2; Megacystis-microcolon-intestinal hypoperistalsis syndrome 2. Last evaluated: 2022-05-09. Review status: criteria provided, single submitter. Criteria: ACMG Guidelines, 2015. Collection method: clinical testing. Allele origin: unknown.

GeneDx
Classification: Benign. Last evaluated: 2015-07-06. Review status: criteria provided, single submitter. Criteria: GeneDx Variant Classification (06012015). Collection method: clinical testing. Allele origin: germline. Affected: yes.
Comment: This variant is considered likely benign or benign based on one or more of the following criteria: it is a conservative change, it occurs at a poorly conserved position in the protein, it is predicted to be benign by multiple in silico algorithms, and/or has population frequency not consistent with disease.

Breakthrough Genomics
Classification: Benign. Review status: criteria provided, single submitter. Criteria: ACMG Guidelines, 2015. Collection method: not provided. Allele origin: germline. Inheritance: Autosomal recessive inheritance. Affected: yes.

Genome Diagnostics Laboratory, Amsterdam University Medical Center
Classification: Benign. Review status: no assertion criteria provided. Collection method: clinical testing. Allele origin: germline. Affected: yes. Study: VKGL Data-share Consensus. Not counted in ClinVar's aggregate classification.

Genome Diagnostics Laboratory, University Medical Center Utrecht
Classification: Likely benign. Review status: no assertion criteria provided. Collection method: clinical testing. Allele origin: germline. Affected: yes. Study: VKGL Data-share Consensus. Not counted in ClinVar's aggregate classification.

NM_002474.3(MYH11):c.4578+19T>C

Genes: MYH11 (myosin heavy chain 11; minus strand), NDE1 (nudE neurodevelopment protein 1; plus strand). Cytogenetic location: 16p13.11.
Variant type: single nucleotide variant.
Coding change: c.4578+19T>C on transcript NM_002474.3 (MANE Select); 19 bases into the intron after coding-DNA position 4578, T replaced by C.
Molecular consequence: intron variant.
Genome position (GRCh38, 1-based): chr16:15,721,403, A>G on the plus strand (T>C on the coding strand, the complement: MYH11 is on the minus strand). VCF-style: chr16-15721403-A-G. GRCh37 (hg19) VCF-style: chr16-15815260-A-G.
Other names: c.4599+19T>C (NM_001040113.1, NM_001040114.2, NM_001040113.2); c.948-2788A>G (NM_001143979.2, NM_017668.3); c.4578+19T>C (NM_022844.3).
Identifiers: ClinVar variation 378206 (VCV000378206.15), dbSNP rs118072250, ClinGen allele CA7921641.